The following is an entry in ClinVar:

ClinVar aggregate classification (germline): Uncertain significance (1 of 4 stars; one submission).

Submission:

GeneDx
Classification: Uncertain significance. Last evaluated: 2024-06-12. Review status: criteria provided, single submitter. Criteria: GeneDx Variant Classification Process June 2021. Collection method: clinical testing. Allele origin: germline. Affected: yes.
Comment: Not observed at significant frequency in large population cohorts (gnomAD); In silico analysis supports that this missense variant has a deleterious effect on protein structure/function; Has not been previously published as pathogenic or benign to our knowledge

NM_001039591.3(USP9X):c.1669G>A (p.Glu557Lys)

Gene: USP9X (ubiquitin specific peptidase 9 X-linked; plus strand). Cytogenetic location: Xp11.4.
Variant type: single nucleotide variant.
Coding change: c.1669G>A on transcript NM_001039591.3 (MANE Select); coding-DNA position 1669, G replaced by A.
Protein change: p.Glu557Lys; replaces glutamic acid 557 with lysine.
Molecular consequence: missense variant.
Genome position (GRCh38, 1-based): chrX:41,150,963, G>A. VCF-style: chrX-41150963-G-A. GRCh37 (hg19) VCF-style: chrX-41010216-G-A.
Other names: c.1669G>A, p.Glu557Lys (NM_001039590.3, NM_001410748.1, NM_001410749.1); short protein forms E557K.
Identifiers: ClinVar variation 3390635 (VCV003390635.1).